The following is an entry in ClinVar:

ClinVar aggregate classification (germline): Conflicting classifications of pathogenicity. Review status: criteria provided, conflicting classifications (1 of 4 stars). 5 submissions from 5 submitters: Uncertain significance (4); Likely benign (1). Last evaluated 2025-12-15.

Conditions:
Arrhythmogenic cardiomyopathy with wooly hair and keratoderma. Also called: Dilated cardiomyopathy with woolly hair and keratoderma; Arrhythmogenic cardiomyopathy with woolly hair and keratoderma; Carvajal syndrome; PALMOPLANTAR KERATODERMA WITH LEFT VENTRICULAR CARDIOMYOPATHY AND WOOLLY HAIR. Identifiers: Orphanet 65282, MedGen C1854063, MONDO:0011581, OMIM 605676.
Cardiovascular phenotype. Identifiers: MedGen CN230736.
Cardiomyopathy (CMYO). Also called: Cardiomyopathies. Identifiers: Orphanet 167848, MedGen C0878544, MONDO:0004994, HP:0001638. Inheritance: Various modes of inheritance.
Arrhythmogenic right ventricular dysplasia 8 (ARVD8). Also called: ARRHYTHMOGENIC RIGHT VENTRICULAR DYSPLASIA, FAMILIAL, 8; ARRHYTHMOGENIC RIGHT VENTRICULAR CARDIOMYOPATHY 8; Arrhythmogenic Right Ventricular Dysplasia/Cardiomyopathy 8. Identifiers: MedGen C1843896, MONDO:0011831, OMIM 607450.

Allele frequency attached by ClinVar (database versions not stated): gnomAD exomes 0.00001 and 0.00002; TOPMed 0.00001; gnomAD 0.00004 and 0.00005.
gnomAD v4.1: 17 of 1,613,944 alleles (0.0011%); highest among the groups gnomAD compares: Admixed American, 0.027%; no homozygotes.

Submissions (5):

Color Diagnostics, LLC DBA Color Health
Classification: Uncertain significance for Cardiomyopathy. Last evaluated: 2025-12-15. Review status: criteria provided, single submitter. Criteria: ACMG Guidelines, 2015. Collection method: clinical testing. Allele origin: germline.
Comment: This missense variant replaces valine with isoleucine at codon 770 of the DSP protein. Computational prediction suggests that this variant may not impact protein structure and function. To our knowledge, functional studies have not been reported for this variant. This variant has not been reported in individuals affected with cardiovascular disorders in the literature. This variant has been identified in 3/251296 chromosomes in the general population by the Genome Aggregation Database (gnomAD). The available evidence is insufficient to determine the role of this variant in disease conclusively. Therefore, this variant is classified as a Variant of Uncertain Significance.

Labcorp Genetics (formerly Invitae), Labcorp
Classification: Likely benign for Arrhythmogenic cardiomyopathy with wooly hair and keratoderma; Arrhythmogenic right ventricular dysplasia 8. Last evaluated: 2025-10-07. Review status: criteria provided, single submitter. Criteria: Invitae Variant Classification Sherloc (09022015). Collection method: clinical testing. Allele origin: germline.

Ambry Genetics
Classification: Uncertain significance for Cardiovascular phenotype. Last evaluated: 2025-08-05. Review status: criteria provided, single submitter. Criteria: Ambry Variant Classification Scheme 2023. Collection method: clinical testing. Allele origin: germline.

All of Us Research Program, National Institutes of Health
Classification: Uncertain significance for Arrhythmogenic cardiomyopathy with wooly hair and keratoderma. Last evaluated: 2024-01-11. Review status: criteria provided, single submitter. Criteria: ACMG Guidelines, 2015. Collection method: clinical testing. Allele origin: germline. Inheritance: Autosomal dominant inheritance. Observed: 3 variant alleles, 3 heterozygotes.
Comment: This missense variant replaces valine with isoleucine at codon 770 of the DSP protein. Computational prediction suggests that this variant may not impact protein structure and function (internally defined REVEL score threshold <= 0.5, PMID: 27666373). To our knowledge, functional studies have not been reported for this variant. This variant has not been reported in individuals affected with cardiovascular disorders in the literature. This variant has been identified in 3/251296 chromosomes in the general population by the Genome Aggregation Database (gnomAD). The available evidence is insufficient to determine the role of this variant in disease conclusively. Therefore, this variant is classified as a Variant of Uncertain Significance.

This study involves interpretation of variants in research participants for the purpose of population health screening. Participant phenotype was not available at the time of variant classification. Additional details can be found in publication PMID: 35346344, PMCID: PMC8962531

GeneDx
Classification: Uncertain significance. Last evaluated: 2019-06-03. Review status: criteria provided, single submitter. Criteria: GeneDx Variant Classification Process June 2021. Collection method: clinical testing. Allele origin: germline. Affected: yes.
Comment: Has not been previously published as pathogenic or benign to our knowledge; Reported in ClinVar but additional evidence is not available (ClinVar Variant ID# 580381; Landrum et al., 2016); Not observed at a significant frequency in large population cohorts (Lek et al., 2016); In silico analysis, which includes protein predictors and evolutionary conservation, supports that this variant does not alter protein structure/function

NM_004415.4(DSP):c.2308G>A (p.Val770Ile)

Gene: DSP (desmoplakin; plus strand). Cytogenetic location: 6p24.3.
Variant type: single nucleotide variant.
Coding change: c.2308G>A on transcript NM_004415.4 (MANE Select); coding-DNA position 2308, G replaced by A.
Protein change: p.Val770Ile; replaces valine 770 with isoleucine.
Molecular consequence: missense variant.
Genome position (GRCh38, 1-based): chr6:7,574,667, G>A. VCF-style: chr6-7574667-G-A. GRCh37 (hg19) VCF-style: chr6-7574900-G-A.
Other names: c.2308G>A (LRG_423t1); c.2308G>A, p.Val770Ile (NM_001008844.3, NM_001319034.2); short protein forms V770I.
Identifiers: ClinVar variation 580381 (VCV000580381.19), dbSNP rs1225927424, ClinGen allele CA362681039.
Genomic context (GRCh38, chr6:7,574,667, plus strand): 5'-AGACTAATTATGTCACTGGCAATTTTATGTGCTTCTTTTGCTCTTTCCAGCTTATGCACA[G>A]TAAGGGCACTGCTCCAGGCTATTCTCCAAACAGAAGACATGTTAAAGGTTTATGAAGCCA-3'
Protein context (NP_004406.2, residues 760-780): TDGYLNSLCT[Val770Ile]RALLQAILQT